The following is an entry in ClinVar:

ClinVar aggregate classification (germline): Uncertain significance (1 of 4 stars; one submission).

Submission:

Women's Health and Genetics/Laboratory Corporation of America, LabCorp
Classification: Uncertain significance. Last evaluated: 2022-08-26. Review status: criteria provided, single submitter. Criteria: LabCorp Variant Classification Summary - May 2015. Collection method: clinical testing. Allele origin: germline.
Comment: Variant summary: MLL2 (HUGO symbol KMT2D) c.3317C>G (p.Pro1106Arg) results in a non-conservative amino acid change in the encoded protein sequence. Three of five in-silico tools predict a damaging effect of the variant on protein function. The variant was absent in 242592 control chromosomes (gnomAD). The available data on variant occurrences in the general population are insufficient to allow any conclusion about variant significance. To our knowledge, no occurrence of c.3317C>G in individuals affected with Kabuki Syndrome 1 and no experimental evidence demonstrating its impact on protein function have been reported. No clinical diagnostic laboratories have submitted clinical-significance assessments for this variant to ClinVar after 2014. Based on the evidence outlined above, the variant was classified as uncertain significance.

NM_003482.4(KMT2D):c.3317C>G (p.Pro1106Arg)

Gene: KMT2D (lysine methyltransferase 2D; minus strand). Cytogenetic location: 12q13.12.
Variant type: single nucleotide variant.
Coding change: c.3317C>G on transcript NM_003482.4 (MANE Select); coding-DNA position 3317, C replaced by G.
Protein change: p.Pro1106Arg; replaces proline 1106 with arginine.
Molecular consequence: missense variant.
Genome position (GRCh38, 1-based): chr12:49,050,271, G>C on the plus strand (C>G on the coding strand, the complement: KMT2D is on the minus strand). VCF-style: chr12-49050271-G-C. GRCh37 (hg19) VCF-style: chr12-49444054-G-C.
Other names: short protein forms P1106R.
Identifiers: ClinVar variation 1722493 (VCV001722493.1), dbSNP rs2120648174, ClinGen allele CA384657572.